The following is an entry in ClinVar:

NM_005901.6(SMAD2):c.997+1G>A

Gene: SMAD2 (SMAD family member 2; minus strand). Cytogenetic location: 18q21.1.
Variant type: single nucleotide variant.
Coding change: c.997+1G>A on transcript NM_005901.6 (MANE Select); the canonical splice donor site of the intron after coding-DNA position 997, G replaced by A.
Molecular consequence: splice donor variant.
Genome position (GRCh38, 1-based): chr18:47,848,474, C>T on the plus strand (G>A on the coding strand, the complement: SMAD2 is on the minus strand). VCF-style: chr18-47848474-C-T. GRCh37 (hg19) VCF-style: chr18-45374845-C-T.
Other names: c.907+1G>A (NM_001135937.3); c.997+1G>A (NM_001003652.4).
Identifiers: ClinVar variation 135629 (VCV000135629.2), dbSNP rs367537999, ClinGen allele CA249807.
Genomic context (GRCh38, chr18:47,848,474, plus strand): 5'-GCAATGCCTACATTATGAGTATACAGCATTTATTTTTCACAACAAGGAAAATAAAACATA[C>T]CTATATGCCTTCTTGTCATTTCTACCGTGGCATTTCGGTTAACATTGGAGAGTAAACCTA-3'

ClinVar aggregate classification (germline): not provided (0 of 4 stars; one submission).

Submission:

Richard Lifton Laboratory, Yale University School of Medicine
No classification provided. Review status: no classification provided. Collection method: not provided. Allele origin: germline.
Comment: SMAD2
ClinVar note: Converted during submission from untested to not provided.